The following is an entry in ClinVar:

ClinVar aggregate classification (germline): Uncertain significance (1 of 4 stars; one submission).

Allele frequency attached by ClinVar (database versions not stated): gnomAD 0.00003; TOPMed 0.00007.
gnomAD v4.1: 14 of 1,613,980 alleles (0.00087%); highest among the groups gnomAD compares: African/African-American, 0.017%; no homozygotes.

Submission:

Labcorp Genetics (formerly Invitae), Labcorp
Classification: Uncertain significance. Last evaluated: 2022-02-20. Review status: criteria provided, single submitter. Criteria: Invitae Variant Classification Sherloc (09022015). Collection method: clinical testing. Allele origin: germline.
Comment: This sequence change replaces leucine, which is neutral and non-polar, with phenylalanine, which is neutral and non-polar, at codon 3195 of the FAT4 protein (p.Leu3195Phe). This variant is present in population databases (rs763504235, gnomAD 0.01%). This variant has not been reported in the literature in individuals affected with FAT4-related conditions. Advanced modeling of protein sequence and biophysical properties (such as structural, functional, and spatial information, amino acid conservation, physicochemical variation, residue mobility, and thermodynamic stability) performed at Invitae indicates that this missense variant is not expected to disrupt FAT4 protein function. In summary, the available evidence is currently insufficient to determine the role of this variant in disease. Therefore, it has been classified as a Variant of Uncertain Significance.

NM_001291303.3(FAT4):c.9589C>T (p.Leu3197Phe)

Gene: FAT4 (FAT atypical cadherin 4; plus strand). Cytogenetic location: 4q28.1.
Variant type: single nucleotide variant.
Coding change: c.9589C>T on transcript NM_001291303.3 (MANE Select); coding-DNA position 9589, C replaced by T.
Protein change: p.Leu3197Phe; replaces leucine 3197 with phenylalanine.
Molecular consequence: missense variant.
Genome position (GRCh38, 1-based): chr4:125,450,599, C>T. VCF-style: chr4-125450599-C-T. GRCh37 (hg19) VCF-style: chr4-126371754-C-T.
Other names: c.9589C>T, p.Leu3197Phe (NM_001291285.3); c.9583C>T, p.Leu3195Phe (NM_024582.6); short protein forms L3197F, L3195F.
Identifiers: ClinVar variation 1922368 (VCV001922368.4), dbSNP rs763504235, ClinGen allele CA3073547.